The following is an entry in ClinVar:

NM_003072.5(SMARCA4):c.211C>G (p.Gln71Glu)

Gene: SMARCA4 (SWI/SNF related BAF chromatin remodeling complex subunit ATPase 4; plus strand). Cytogenetic location: 19p13.2.
Variant type: single nucleotide variant.
Coding change: c.211C>G on transcript NM_003072.5 (MANE Select); coding-DNA position 211, C replaced by G.
Protein change: p.Gln71Glu; replaces glutamine 71 with glutamic acid.
Molecular consequence: missense variant. On other transcripts: non-coding transcript variant (1).
Genome position (GRCh38, 1-based): chr19:10,984,362, C>G. VCF-style: chr19-10984362-C-G. GRCh37 (hg19) VCF-style: chr19-11095038-C-G.
Other names: c.211C>G, p.Gln71Glu (NM_001128844.3, NM_001128845.2, NM_001128846.2 and 6 more transcripts); short protein forms Q71E.
Identifiers: ClinVar variation 1786221 (VCV001786221.2), dbSNP rs865922799, ClinGen allele CA404054688.

ClinVar aggregate classification (germline): Uncertain significance (1 of 4 stars; one submission).

Conditions:
Hereditary cancer-predisposing syndrome. Also called: Neoplastic Syndromes, Hereditary; Tumor predisposition; Hereditary Cancer Syndrome; Hereditary neoplastic syndrome. Identifiers: Orphanet 140162, MedGen C0027672, MeSH D009386, MONDO:0015356.

Submission:

Ambry Genetics
Classification: Uncertain significance for Hereditary cancer-predisposing syndrome. Last evaluated: 2021-09-21. Review status: criteria provided, single submitter. Criteria: Ambry Variant Classification Scheme 2023. Collection method: clinical testing. Allele origin: germline.
Comment: The p.Q71E variant (also known as c.211C>G), located in coding exon 1 of the SMARCA4 gene, results from a C to G substitution at nucleotide position 211. The glutamine at codon 71 is replaced by glutamic acid, an amino acid with highly similar properties. This amino acid position is well conserved in available vertebrate species. In addition, the in silico prediction for this alteration is inconclusive. Missense and in-frame variants in SMARCA4 are known to cause neurodevelopmental disorders; however, such associations with rhabdoid tumor predisposition syndrome including small cell carcinoma of the ovary-hypercalcemic type (SCCOHT) are exceedingly rare (Kosho T et al. Am J Med Genet C Semin Med Genet. 2014 Sep;166C(3):262-75; Jelinic P et al. Nat Genet. 2014 May;46(5):424-6). Based on the supporting evidence, the association of this alteration with Coffin-Siris syndrome is unknown; however, the association of this alteration with rhabdoid tumor predisposition syndrome is unlikely.